The following is an entry in ClinVar:

NM_001199753.2(CPT1C):c.826G>A (p.Val276Ile)

Gene: CPT1C (carnitine palmitoyltransferase 1C; plus strand). Cytogenetic location: 19q13.33.
Variant type: single nucleotide variant.
Coding change: c.826G>A on transcript NM_001199753.2 (MANE Select); coding-DNA position 826, G replaced by A.
Protein change: p.Val276Ile; replaces valine 276 with isoleucine.
Molecular consequence: missense variant. On other transcripts: non-coding transcript variant (1).
Genome position (GRCh38, 1-based): chr19:49,705,061, G>A. VCF-style: chr19-49705061-G-A. GRCh37 (hg19) VCF-style: chr19-50208318-G-A.
Other names: c.793G>A, p.Val265Ile (NM_001136052.3, NM_001378482.1, NM_001378485.1 and 1 more transcripts); c.826G>A, p.Val276Ile (NM_001199752.3, NM_001378483.1, NM_001378484.1 and 3 more transcripts); short protein forms V265I, V276I.
Identifiers: ClinVar variation 2682272 (VCV002682272.1), dbSNP rs1355411478, ClinGen allele CA406902705.
Genomic context (GRCh38, chr19:49,705,061, plus strand): 5'-CCCCAGGACTTCCTGTATGTCACACCCACGCCTCTGCAGGCAGCTCGCGCTGGGAATGCC[G>A]TCCATGCCCTCCTCCTGTACCGCCACCGCCTGAACCGCCAGGAGATACCCCCGGTGAGAG-3'
Protein context (NP_001186682.1, residues 266-286): PLQAARAGNA[Val276Ile]HALLLYRHRL

ClinVar aggregate classification (germline): Uncertain significance (1 of 4 stars; one submission).

Allele frequency attached by ClinVar (database versions not stated): gnomAD exomes 0.00001; gnomAD 0.00002; TOPMed 0.00002.
gnomAD v4.1: 10 of 1,612,988 alleles (0.00062%); highest among the groups gnomAD compares: African/African-American, 0.0027%; no homozygotes.

Submission:

Women's Health and Genetics/Laboratory Corporation of America, LabCorp
Classification: Uncertain significance. Last evaluated: 2023-11-27. Review status: criteria provided, single submitter. Criteria: LabCorp Variant Classification Summary - May 2015. Collection method: clinical testing. Allele origin: germline.
Comment: Variant summary: CPT1C c.793G>A (p.Val265Ile) results in a conservative amino acid change located in the choline/carnitine acyltransferase domain (IPR039551) of the encoded protein sequence. Five of five in-silico tools predict a benign effect of the variant on protein function. The variant allele was found at a frequency of 4e-06 in 250990 control chromosomes (gnomAD). The available data on variant occurrences in the general population are insufficient to allow any conclusion about variant significance. To our knowledge, no occurrence of c.793G>A in individuals affected with Hereditary Spastic Paraplegia and no experimental evidence demonstrating its impact on protein function have been reported. No submitters have cited clinical-significance assessments for this variant to ClinVar after 2014. Based on the evidence outlined above, the variant was classified as uncertain significance.